The following is an entry in ClinVar:

ClinVar aggregate classification (germline): Pathogenic. Review status: criteria provided, multiple submitters, no conflicts (2 of 4 stars). 3 submissions from 3 submitters: Pathogenic (2). 1 of the submissions does not count toward it. Last evaluated 2025-07-11.

Conditions:
Treacher Collins syndrome 1 (TCS1). Also called: TCOF1-Related Treacher Collins Syndrome. Identifiers: Orphanet 861, MedGen CN315775, MONDO:0007944, OMIM 154500.

Submissions (3):

GeneDx
Classification: Pathogenic. Last evaluated: 2025-07-11. Review status: criteria provided, single submitter. Criteria: GeneDx Variant Classification Process June 2021. Collection method: clinical testing. Allele origin: germline. Affected: yes.
Comment: Not observed at significant frequency in large population cohorts (gnomAD); Nonsense variant predicted to result in protein truncation or nonsense mediated decay in a gene for which loss of function is a known mechanism of disease; This variant is associated with the following publications: (PMID: 25525159, 15214011)

Labcorp Genetics (formerly Invitae), Labcorp
Classification: Pathogenic for Treacher Collins syndrome 1. Last evaluated: 2019-08-21. Review status: criteria provided, single submitter. Criteria: Invitae Variant Classification Sherloc (09022015). Collection method: clinical testing. Allele origin: germline.
Comment: For these reasons, this variant has been classified as Pathogenic. Loss-of-function variants in TCOF1 are known to be pathogenic (PMID: 8894686, 22317976). This variant has been observed in an individual affected with Treacher Collins syndrome (PMID: 15214011). It is also known as Arg911Stop in the literature. ClinVar contains an entry for this variant (Variation ID: 3966). This variant is not present in population databases (ExAC no frequency). This sequence change creates a premature translational stop signal (p.Arg988*) in the TCOF1 gene. It is expected to result in an absent or disrupted protein product.

OMIM
Classification: Pathogenic for TREACHER COLLINS SYNDROME 1. Last evaluated: 2004-07-15. Review status: no assertion criteria provided. Collection method: literature only. Allele origin: germline. Not counted in ClinVar's aggregate classification.

Literature cited by the submitters: PubMed 8894686 (cited by Labcorp Genetics (formerly Invitae), Labcorp); PubMed 22317976 (cited by Labcorp Genetics (formerly Invitae), Labcorp); PubMed 15214011 (cited by Labcorp Genetics (formerly Invitae), Labcorp and OMIM).

NM_001371623.1(TCOF1):c.2962C>T (p.Arg988Ter)

Gene: TCOF1 (treacle ribosome biogenesis factor 1; plus strand). Cytogenetic location: 5q32.
Variant type: single nucleotide variant.
Coding change: c.2962C>T on transcript NM_001371623.1 (MANE Select); coding-DNA position 2962, C replaced by T.
Protein change: p.Arg988Ter; replaces arginine 988 with a stop codon.
Molecular consequence: nonsense.
Genome position (GRCh38, 1-based): chr5:150,388,004, C>T. VCF-style: chr5-150388004-C-T. GRCh37 (hg19) VCF-style: chr5-149767567-C-T.
Other names: c.2731C>T, p.Arg911Ter (NM_000356.4, NM_001135245.2); c.2962C>T, p.Arg988Ter (NM_001135243.2, NM_001135244.2, NM_001195141.2); short protein forms R911*, R988*.
Identifiers: ClinVar variation 3966 (VCV000003966.12), dbSNP rs119470017, ClinGen allele CA252946.